The following is an entry in ClinVar:

NM_003482.4(KMT2D):c.5459C>G (p.Ser1820Trp)

Gene: KMT2D (lysine methyltransferase 2D; minus strand). Cytogenetic location: 12q13.12.
Variant type: single nucleotide variant.
Coding change: c.5459C>G on transcript NM_003482.4 (MANE Select); coding-DNA position 5459, C replaced by G.
Protein change: p.Ser1820Trp; replaces serine 1820 with tryptophan.
Molecular consequence: missense variant.
Genome position (GRCh38, 1-based): chr12:49,043,643, G>C on the plus strand (C>G on the coding strand, the complement: KMT2D is on the minus strand). VCF-style: chr12-49043643-G-C. GRCh37 (hg19) VCF-style: chr12-49437426-G-C.
Other names: short protein forms S1820W.
Identifiers: ClinVar variation 3696215 (VCV003696215.2).

ClinVar aggregate classification (germline): Uncertain significance (1 of 4 stars; one submission).

Conditions:
Kabuki syndrome. Also called: NIIKAWA-KUROKI SYNDROME; Kabuki make-up syndrome. Identifiers: Orphanet 2322, MedGen C0796004, MONDO:0016512.

Submission:

Labcorp Genetics (formerly Invitae), Labcorp
Classification: Uncertain significance for Kabuki syndrome. Last evaluated: 2025-01-13. Review status: criteria provided, single submitter. Criteria: Invitae Variant Classification Sherloc (09022015). Collection method: clinical testing. Allele origin: germline.
Comment: This sequence change replaces serine, which is neutral and polar, with tryptophan, which is neutral and slightly polar, at codon 1820 of the KMT2D protein (p.Ser1820Trp). This variant is not present in population databases (gnomAD no frequency). This variant has not been reported in the literature in individuals affected with KMT2D-related conditions. Invitae Evidence Modeling of protein sequence and biophysical properties (such as structural, functional, and spatial information, amino acid conservation, physicochemical variation, residue mobility, and thermodynamic stability) indicates that this missense variant is not expected to disrupt KMT2D protein function with a negative predictive value of 95%. In summary, the available evidence is currently insufficient to determine the role of this variant in disease. Therefore, it has been classified as a Variant of Uncertain Significance.